The following is an entry in ClinVar:

NM_000238.4(KCNH2):c.172G>A (p.Glu58Lys)

Gene: KCNH2 (potassium voltage-gated channel subfamily H member 2; minus strand). Cytogenetic location: 7q36.1.
Variant type: single nucleotide variant.
Coding change: c.172G>A on transcript NM_000238.4 (MANE Select); coding-DNA position 172, G replaced by A.
Protein change: p.Glu58Lys; replaces glutamic acid 58 with lysine.
Molecular consequence: missense variant.
Genome position (GRCh38, 1-based): chr7:150,974,846, C>T on the plus strand (G>A on the coding strand, the complement: KCNH2 is on the minus strand). VCF-style: chr7-150974846-C-T. GRCh37 (hg19) VCF-style: chr7-150671934-C-T.
Other names: c.172G>A (NM_000238.2, LRG_288t1); c.-6G>A (NM_001406755.1); c.172G>A, p.Glu58Lys (NM_172056.3); short protein forms E58K.
Identifiers: ClinVar variation 67254 (VCV000067254.17), dbSNP rs199473413, ClinGen allele CA005294.

ClinVar aggregate classification (germline): Pathogenic/Likely pathogenic. Review status: criteria provided, multiple submitters, no conflicts (2 of 4 stars). 7 submissions from 7 submitters: Pathogenic (3); Likely pathogenic (3). 1 of the submissions does not count toward it. Last evaluated 2025-12-22.

Conditions:
Cardiovascular phenotype. Identifiers: MedGen CN230736.
KCNH2-related disorder. Also called: KCNH2-related disorders; KCNH2-related condition.
Familial long QT syndrome (RWS). Also called: Congenital long QT syndrome; Romano-Ward syndrome; VENTRICULAR FIBRILLATION WITH PROLONGED QT INTERVAL. Identifiers: Orphanet 768, MedGen C1141890, MONDO:0019171.
Long QT syndrome (LQTS). Identifiers: MedGen C0023976, MeSH D008133, MONDO:0002442. Disease mechanism: loss of function. Inheritance: Various modes of inheritance.

Submissions (7):

Ambry Genetics
Classification: Likely pathogenic for Cardiovascular phenotype. Last evaluated: 2025-12-22. Review status: criteria provided, single submitter. Criteria: Ambry Variant Classification Scheme 2023. Collection method: clinical testing. Allele origin: germline.
Comment: The p.E58K variant (also known as c.172G>A), located in coding exon 2 of the KCNH2 gene, results from a G to A substitution at nucleotide position 172. The glutamic acid at codon 58 is replaced by lysine, an amino acid with similar properties. This variant was reported in individual(s) with features consistent with KCNH2-related long QT syndrome (Lupoglazoff JM et al. Circulation, 2001 Feb;103:1095-101; Itoh H et al. Heart Rhythm, 2010 Oct;7:1411-8; Walsh R et al. Genet Med, 2021 Jan;23:47-58; Bora E et al. Mol Syndromol, 2023 Oct;14:363-374). This missense alteration is located in a region that has a low rate of benign missense variation (Lek M et al. Nature. 2016 Aug 18;536(7616):285-91; DECIPHER: Database of Chromosomal Imbalance and Phenotype in Humans using Ensembl Resources. Firth H.V. et al. 2009. Am.J.Hum.Genet. 84, 524-533 (DOI)). This amino acid position is highly conserved in available vertebrate species. In addition, this alteration is predicted to be deleterious by in silico analysis. This variant is considered to be rare based on population cohorts in the Genome Aggregation Database (gnomAD). Based on the majority of available evidence to date, this variant is likely to be pathogenic.

Women's Health and Genetics/Laboratory Corporation of America, LabCorp
Classification: Likely pathogenic for Long QT syndrome. Last evaluated: 2025-10-27. Review status: criteria provided, single submitter. Criteria: LabCorp Variant Classification Summary - May 2015. Collection method: clinical testing. Allele origin: germline.
Comment: Variant summary: KCNH2 c.172G>A (p.Glu58Lys) results in a conservative amino acid change located in the PAS domain of the encoded protein sequence. Algorithms developed to predict the effect of missense changes on protein structure and function are either unavailable or do not agree on the potential impact of this missense change. The variant was absent in 237952 control chromosomes. c.172G>A has been observed in individual(s) affected with Long QT Syndrome (examples: Lupoglazoff_2001, Nishio_2009, Bora_2023, internal data). Experimental studies have shown that this missense change affects KCNH2 function (example: Anderson_2014, Anderson_2020). The following publications have been ascertained in the context of this evaluation (PMID: 11222472, 32475984 , 19695459, 37901857, 11222472). ClinVar contains an entry for this variant (Variation ID: 67254). Based on the evidence outlined above, the variant was classified as likely pathogenic.

GeneDx
Classification: Likely pathogenic. Last evaluated: 2025-09-15. Review status: criteria provided, single submitter. Criteria: GeneDx Variant Classification Process June 2021. Collection method: clinical testing. Allele origin: germline. Affected: yes.
Comment: Identified in patients with LQTS referred for genetic testing at GeneDx and in the published literature (PMID: 11222472, 19695459, 36861347, 37901857); Published functional studies suggest a damaging effect through significantly reduced channel activity and a significant trafficking defect (PMID: 25417810, HasegawaK2014[Article], 35688148); Not observed at significant frequency in large population cohorts (gnomAD); In silico analysis suggests that this missense variant does not alter protein structure/function; This variant is associated with the following publications: (PMID: 32475984, 11222472, 36861347, 19695459, 35688148, HasegawaK2014[Article], 37901857, 25417810, 22396785)

Labcorp Genetics (formerly Invitae), Labcorp
Classification: Pathogenic for Long QT syndrome. Last evaluated: 2025-09-02. Review status: criteria provided, single submitter. Criteria: Invitae Variant Classification Sherloc (09022015). Collection method: clinical testing. Allele origin: germline.
Comment: This sequence change replaces glutamic acid, which is acidic and polar, with lysine, which is basic and polar, at codon 58 of the KCNH2 protein (p.Glu58Lys). This variant is not present in population databases (gnomAD no frequency). This missense change has been observed in individuals with long QT syndrome (PMID: 11222472, 19695459, 37901857; internal data). ClinVar contains an entry for this variant (Variation ID: 67254). An algorithm developed to predict the effect of missense changes on protein structure and function (PolyPhen-2) suggests that this variant is likely to be tolerated. Experimental studies have shown that this missense change affects KCNH2 function (PMID: 25417810). For these reasons, this variant has been classified as Pathogenic.

Molecular Diagnostic Laboratory for Inherited Cardiovascular Disease, Montreal Heart Institute
Classification: Pathogenic for Cardiovascular phenotype. Last evaluated: 2024-09-27. Review status: criteria provided, single submitter. Criteria: ACMG Guidelines, 2015. Collection method: clinical testing. Allele origin: germline. Affected: yes.
Comment: PM1_strong, PS4_mod, PM2, PP2, PP3

Blueprint Genetics
Classification: Pathogenic for KCNH2-related disorders. Last evaluated: 2020-12-01. Review status: criteria provided, single submitter. Criteria: ACMG Guidelines, 2015. Collection method: clinical testing. Allele origin: germline. Affected: yes. Observed: 2 variant alleles.

Cardiovascular Biomedical Research Unit, Royal Brompton & Harefield NHS Foundation Trust
No classification provided. Condition: Familial long QT syndrome. Review status: no classification provided. Collection method: literature only. Allele origin: germline. Not counted in ClinVar's aggregate classification.
Comment: This variant has been reported as associated with Long QT syndrome in the following publications (PMID:11222472). This is a literature report, and does not necessarily reflect the clinical interpretation of the Imperial College / Royal Brompton Cardiovascular Genetics laboratory.

Literature cited by the submitters: PubMed 11222472 (cited by 4 submitters); PubMed 20541041 (cited by Ambry Genetics); PubMed 32893267 (cited by Ambry Genetics); PubMed 37901857 (cited by 3 submitters); PubMed 19695459 (cited by Women's Health and Genetics/Laboratory Corporation of America, LabCorp and Labcorp Genetics (formerly Invitae), Labcorp); PubMed 32475984 (cited by Women's Health and Genetics/Laboratory Corporation of America, LabCorp); PubMed 25417810 (cited by Labcorp Genetics (formerly Invitae), Labcorp); PubMed 22581653 (cited by Cardiovascular Biomedical Research Unit, Royal Brompton & Harefield NHS Foundation Trust).